The following is an entry in ClinVar:

ClinVar aggregate classification (germline): Uncertain significance (1 of 4 stars; one submission).

Conditions:
Duane-radial ray syndrome (DRRS). Also called: Duane-Radial Ray Syndrome/Okihiro Syndrome; Duane-Radial Ray Syndrome (DRRS) / Okihiro Syndrome; DR SYNDROME; ACRORENOOCULAR SYNDROME; DUANE ANOMALY WITH RADIAL RAY ABNORMALITIES AND DEAFNESS; Okihiro Syndrome. Identifiers: Orphanet 93293, Orphanet 959, MedGen C1623209, MONDO:0011812, OMIM 607323. Disease mechanism: gain of function.

Allele frequency attached by ClinVar (database versions not stated): gnomAD exomes below 0.00001; TOPMed below 0.00001; ExAC 0.00001.

Submission:

Labcorp Genetics (formerly Invitae), Labcorp
Classification: Uncertain significance for Duane-radial ray syndrome. Last evaluated: 2024-05-08. Review status: criteria provided, single submitter. Criteria: Invitae Variant Classification Sherloc (09022015). Collection method: clinical testing. Allele origin: germline.
Comment: This sequence change replaces arginine, which is basic and polar, with cysteine, which is neutral and slightly polar, at codon 864 of the SALL4 protein (p.Arg864Cys). This variant is present in population databases (rs756470912, gnomAD 0.0009%). This variant has not been reported in the literature in individuals affected with SALL4-related conditions. ClinVar contains an entry for this variant (Variation ID: 1370519). An algorithm developed to predict the effect of missense changes on protein structure and function (PolyPhen-2) suggests that this variant is likely to be disruptive. In summary, the available evidence is currently insufficient to determine the role of this variant in disease. Therefore, it has been classified as a Variant of Uncertain Significance.

NM_020436.5(SALL4):c.2590C>T (p.Arg864Cys)

Gene: SALL4 (spalt like transcription factor 4; minus strand). Cytogenetic location: 20q13.2.
Variant type: single nucleotide variant.
Coding change: c.2590C>T on transcript NM_020436.5 (MANE Select); coding-DNA position 2590, C replaced by T.
Protein change: p.Arg864Cys; replaces arginine 864 with cysteine.
Molecular consequence: missense variant.
Genome position (GRCh38, 1-based): chr20:51,789,013, G>A on the plus strand (C>T on the coding strand, the complement: SALL4 is on the minus strand). VCF-style: chr20-51789013-G-A. GRCh37 (hg19) VCF-style: chr20-50405552-G-A.
Other names: c.1279C>T, p.Arg427Cys (NM_001318031.2); short protein forms R427C, R864C.
Identifiers: ClinVar variation 1370519 (VCV001370519.8), dbSNP rs756470912, ClinGen allele CA9912045.